The following is an entry in ClinVar:

ClinVar aggregate classification (germline): Pathogenic/Likely pathogenic. Review status: criteria provided, multiple submitters, no conflicts (2 of 4 stars). 5 submissions from 5 submitters: Pathogenic (1); Likely pathogenic (4). Last evaluated 2026-07-13.

Conditions:
Cardiovascular phenotype. Identifiers: MedGen CN230736.
Hereditary cancer-predisposing syndrome. Also called: Hereditary Cancer Syndrome; Tumor predisposition; Hereditary neoplastic syndrome; Neoplastic Syndromes, Hereditary. Identifiers: Orphanet 140162, MedGen C0027672, MeSH D009386, MONDO:0015356.
Precursor B-cell acute lymphoblastic leukemia. Also called: Pre-B-cell acute lymphoblastic leukemia; B Acute Lymphoblastic Leukemia. Identifiers: Orphanet 99860, MedGen C0349636, MONDO:0020511, HP:0004812.
Neurofibromatosis, type 1 (NF1). Also called: Neurofibromatosis, type I; Peripheral type neurofibromatosis; VON RECKLINGHAUSEN DISEASE; NEUROFIBROMATOSIS, TYPE I, SOMATIC. Identifiers: Orphanet 636, MedGen C0027831, MONDO:0018975, OMIM 162200. Disease mechanism: loss of function.

Submissions (5):

GeneDx
Classification: Likely pathogenic. Last evaluated: 2026-07-13. Review status: criteria provided, single submitter. Criteria: GeneDx Variant Classification Process June 2021. Collection method: clinical testing. Allele origin: germline.
Comment: Reported in a patient with B-ALL and caf au lait macules in published literature (PMID: 34301788); A different variant affecting the same splice site (c.6858+3A>T) has been classified as likely pathogenic at GeneDx in association with neurofibromatosis type 1 and leads to abnormal splicing (PMID: 31766501); In silico analysis is inconclusive as to whether the variant alters gene splicing. In the absence of RNA/functional studies, the actual effect of this sequence change is unknown.; Not observed at significant frequency in large population cohorts (gnomAD); This variant is associated with the following publications: (PMID: Mostafavi2022[abstract], 23656349, 34301788, 31766501)

Ambry Genetics
Classification: Likely pathogenic for Cardiovascular phenotype; Hereditary cancer-predisposing syndrome. Last evaluated: 2026-04-16. Review status: criteria provided, single submitter. Criteria: Ambry Variant Classification Scheme 2023. Collection method: clinical testing. Allele origin: germline.
Comment: The c.6858+3A>G intronic variant results from an A to G substitution 3 nucleotides after coding exon 45 in the NF1 gene. This variant was reported in individual(s) with features consistent with Neurofibromatosis type 1 (Ambry internal data). This nucleotide position is well conserved in available vertebrate species. In silico splice site analysis predicts that this alteration may weaken the native splice donor site. RNA studies have demonstrated that this variant results in abnormal splicing in the set of samples tested (Ambry internal data). This variant is considered to be rare based on population cohorts in the Genome Aggregation Database (gnomAD). Based on the majority of available evidence to date, this variant is likely to be pathogenic.

Labcorp Genetics (formerly Invitae), Labcorp
Classification: Pathogenic for Neurofibromatosis, type 1. Last evaluated: 2025-03-11. Review status: criteria provided, single submitter. Criteria: Invitae Variant Classification Sherloc (09022015). Collection method: clinical testing. Allele origin: germline.
Comment: This sequence change falls in intron 45 of the NF1 gene. It does not directly change the encoded amino acid sequence of the NF1 protein. It affects a nucleotide within the consensus splice site. This variant is not present in population databases (gnomAD no frequency). This variant has been observed in individuals with clinical features of neurofibromatosis type 1 (PMID: 23656349; External communication, internal data). It has also been observed to segregate with disease in related individuals. ClinVar contains an entry for this variant (Variation ID: 426988). Variants that disrupt the consensus splice site are a relatively common cause of aberrant splicing (PMID: 17576681, 9536098). Algorithms developed to predict the effect of sequence changes on RNA splicing suggest that this variant may disrupt the consensus splice site. For these reasons, this variant has been classified as Pathogenic.

Genome-Nilou Lab
Classification: Likely pathogenic for Neurofibromatosis, type 1. Last evaluated: 2022-03-15. Review status: criteria provided, single submitter. Criteria: ACMG Guidelines, 2015. Collection method: clinical testing. Allele origin: germline. Affected: no.

St. Jude Molecular Pathology, St. Jude Children's Research Hospital
Classification: Likely pathogenic for Pre-B-cell acute lymphoblastic leukemia. Last evaluated: 2016-08-08. Review status: criteria provided, single submitter. Criteria: ACMG Guidelines, 2015. Collection method: clinical testing. Allele origin: germline. Affected: yes.

Literature cited by the submitters: PubMed 23656349 (cited by Labcorp Genetics (formerly Invitae), Labcorp); PubMed 17576681 (cited by Labcorp Genetics (formerly Invitae), Labcorp); PubMed 9536098 (cited by Labcorp Genetics (formerly Invitae), Labcorp).

NM_001042492.3(NF1):c.6921+3A>G

Gene: NF1 (neurofibromin 1; plus strand). Cytogenetic location: 17q11.2.
Variant type: single nucleotide variant.
Coding change: c.6921+3A>G on transcript NM_001042492.3 (MANE Select); 3 bases into the intron after coding-DNA position 6921, A replaced by G.
Molecular consequence: intron variant.
Genome position (GRCh38, 1-based): chr17:31,338,808, A>G. VCF-style: chr17-31338808-A-G. GRCh37 (hg19) VCF-style: chr17-29665826-A-G.
Other names: c.6858+3A>G (NM_000267.4).
Identifiers: ClinVar variation 426988 (VCV000426988.17), dbSNP rs1085307885, ClinGen allele CA645293901.
Genomic context (GRCh38, chr17:31,338,808, plus strand): 5'-AGTTCTGATAGAAGCTACAGTAATAGCACTAACCAAATTACAGCCACTTCTTAATAAGGT[A>G]ATTACTGTATAGAAAATGAGTGCATTCATTTTGGGTATCAGTGTTGAATGTTACTTTCTT-3'